The following is an entry in ClinVar:

ClinVar aggregate classification (germline): Uncertain significance (1 of 4 stars; one submission).

Conditions:
Noonan syndrome (NS). Also called: Noonan's syndrome. Identifiers: Orphanet 648, MedGen C0028326, MeSH D009634, MONDO:0018997. Disease mechanism: gain of function.

Allele frequency attached by ClinVar (database versions not stated): ExAC 0.00001.
gnomAD v4.1: 23 of 1,460,768 alleles (0.0016%); highest among the groups gnomAD compares: East Asian, 0.0072%; no homozygotes.

Submission:

Labcorp Genetics (formerly Invitae), Labcorp
Classification: Uncertain significance for Noonan syndrome. Last evaluated: 2025-02-23. Review status: criteria provided, single submitter. Criteria: Invitae Variant Classification Sherloc (09022015). Collection method: clinical testing. Allele origin: germline.
Comment: This sequence change replaces valine, which is neutral and non-polar, with isoleucine, which is neutral and non-polar, at codon 152 of the RRAS protein (p.Val152Ile). The frequency data for this variant in the population databases is considered unreliable, as metrics indicate poor data quality at this position in the gnomAD database. This variant has not been reported in the literature in individuals affected with RRAS-related conditions. ClinVar contains an entry for this variant (Variation ID: 1906713). An algorithm developed to predict the effect of missense changes on protein structure and function (PolyPhen-2) suggests that this variant is likely to be tolerated. In summary, the available evidence is currently insufficient to determine the role of this variant in disease. Therefore, it has been classified as a Variant of Uncertain Significance.

NM_006270.5(RRAS):c.454G>A (p.Val152Ile)

Gene: RRAS (RAS related; minus strand). Cytogenetic location: 19q13.33.
Variant type: single nucleotide variant.
Coding change: c.454G>A on transcript NM_006270.5 (MANE Select); coding-DNA position 454, G replaced by A.
Protein change: p.Val152Ile; replaces valine 152 with isoleucine.
Molecular consequence: missense variant.
Genome position (GRCh38, 1-based): chr19:49,635,852, C>T on the plus strand (G>A on the coding strand, the complement: RRAS is on the minus strand). VCF-style: chr19-49635852-C-T. GRCh37 (hg19) VCF-style: chr19-50139109-C-T.
Other names: short protein forms V152I.
Identifiers: ClinVar variation 1906713 (VCV001906713.5), dbSNP rs777784351, ClinGen allele CA9578990.